The following is an entry in ClinVar:

NM_006662.3(SRCAP):c.8333T>C (p.Val2778Ala)

Gene: SRCAP (Snf2 related CREBBP activator protein; plus strand). Cytogenetic location: 16p11.2.
Variant type: single nucleotide variant.
Coding change: c.8333T>C on transcript NM_006662.3 (MANE Select); coding-DNA position 8333, T replaced by C.
Protein change: p.Val2778Ala; replaces valine 2778 with alanine.
Molecular consequence: missense variant.
Genome position (GRCh38, 1-based): chr16:30,738,373, T>C. VCF-style: chr16-30738373-T-C. GRCh37 (hg19) VCF-style: chr16-30749694-T-C.
Other names: short protein forms V2778A.
Identifiers: ClinVar variation 2623628 (VCV002623628.3), dbSNP rs140641749, ClinGen allele CA8012667.

ClinVar aggregate classification (germline): Uncertain significance. Review status: criteria provided, multiple submitters, no conflicts (2 of 4 stars). 2 submissions from 2 submitters: Uncertain significance (2). Last evaluated 2025-10-17.

Conditions:
Inborn genetic diseases. Identifiers: MedGen C0950123, MeSH D030342.

gnomAD v4.1: 6 of 1,558,972 alleles (0.00038%); highest among the groups gnomAD compares: East Asian, 0.013%; no homozygotes.

Submissions (2):

Labcorp Genetics (formerly Invitae), Labcorp
Classification: Uncertain significance. Last evaluated: 2025-10-17. Review status: criteria provided, single submitter. Criteria: Invitae Variant Classification Sherloc (09022015). Collection method: clinical testing. Allele origin: germline.
Comment: This sequence change replaces valine, which is neutral and non-polar, with alanine, which is neutral and non-polar, at codon 2778 of the SRCAP protein (p.Val2778Ala). This variant is present in population databases (rs140641749, gnomAD 0.02%). This variant has not been reported in the literature in individuals affected with SRCAP-related conditions. ClinVar contains an entry for this variant (Variation ID: 2623628). Invitae Evidence Modeling of protein sequence and biophysical properties (such as structural, functional, and spatial information, amino acid conservation, physicochemical variation, residue mobility, and thermodynamic stability) indicates that this missense variant is not expected to disrupt SRCAP protein function with a negative predictive value of 80%. In summary, the available evidence is currently insufficient to determine the role of this variant in disease. Therefore, it has been classified as a Variant of Uncertain Significance.

Ambry Genetics
Classification: Uncertain significance for Inborn genetic diseases. Last evaluated: 2023-09-13. Review status: criteria provided, single submitter. Criteria: Ambry Variant Classification Scheme 2023. Collection method: clinical testing. Allele origin: germline.